The following is an entry in ClinVar:

ClinVar aggregate classification (germline): Uncertain significance (1 of 4 stars; one submission).

Conditions:
Charcot-Marie-Tooth disease axonal type 2Z. Also called: CHARCOT-MARIE-TOOTH DISEASE, AXONAL, AUTOSOMAL DOMINANT, TYPE 2Z; CHARCOT-MARIE-TOOTH NEUROPATHY, TYPE 2Z. Identifiers: Orphanet 466768, MedGen C5569025, MONDO:0014736, OMIM 616688.

Allele frequency attached by ClinVar (database versions not stated): gnomAD exomes below 0.00001; TOPMed below 0.00001; gnomAD 0.00001.
gnomAD v4.1: 4 of 1,614,012 alleles (0.00025%); highest among the groups gnomAD compares: Non-Finnish European, 0.00034%; no homozygotes.

Submission:

Labcorp Genetics (formerly Invitae), Labcorp
Classification: Uncertain significance for Charcot-Marie-Tooth disease axonal type 2Z. Last evaluated: 2025-01-13. Review status: criteria provided, single submitter. Criteria: Invitae Variant Classification Sherloc (09022015). Collection method: clinical testing. Allele origin: germline.
Comment: This sequence change replaces asparagine, which is neutral and polar, with histidine, which is basic and polar, at codon 161 of the MORC2 protein (p.Asn161His). This variant is not present in population databases (gnomAD no frequency). This variant has not been reported in the literature in individuals affected with MORC2-related conditions. ClinVar contains an entry for this variant (Variation ID: 956779). Invitae Evidence Modeling of protein sequence and biophysical properties (such as structural, functional, and spatial information, amino acid conservation, physicochemical variation, residue mobility, and thermodynamic stability) indicates that this missense variant is expected to disrupt MORC2 protein function with a positive predictive value of 80%. In summary, the available evidence is currently insufficient to determine the role of this variant in disease. Therefore, it has been classified as a Variant of Uncertain Significance.

NM_001303256.3(MORC2):c.481A>C (p.Asn161His)

Gene: MORC2 (MORC family CW-type zinc finger 2; minus strand). Cytogenetic location: 22q12.2.
Variant type: single nucleotide variant.
Coding change: c.481A>C on transcript NM_001303256.3 (MANE Select); coding-DNA position 481, A replaced by C.
Protein change: p.Asn161His; replaces asparagine 161 with histidine.
Molecular consequence: missense variant.
Genome position (GRCh38, 1-based): chr22:30,942,217, T>G on the plus strand (A>C on the coding strand, the complement: MORC2 is on the minus strand). VCF-style: chr22-30942217-T-G. GRCh37 (hg19) VCF-style: chr22-31338204-T-G.
Other names: c.481A>C, p.Asn161His (NM_001303257.2); c.295A>C, p.Asn99His (NM_014941.3); short protein forms N99H, N161H.
Identifiers: ClinVar variation 956779 (VCV000956779.8), dbSNP rs1316437948, ClinGen allele CA411243913.